The following is an entry in ClinVar:

ClinVar aggregate classification (germline): Likely benign. Review status: reviewed by expert panel (3 of 4 stars). 10 submissions from 10 submitters: Likely benign (1). 9 of the submissions do not count toward it. Last evaluated 2017-06-29.

Conditions:
Hereditary breast ovarian cancer syndrome. Also called: Hereditary breast and/or ovarian cancer syndrome; Hereditary breast and ovarian cancer; Hereditary breast and ovarian cancer syndrome (HBOC); BRCA1- and BRCA2-Associated Hereditary Breast and Ovarian Cancer; Hereditary breast and ovarian cancer syndrome; Breast and ovarian cancer. Identifiers: Orphanet 145, MedGen C0677776, MeSH D061325, MONDO:0003582. Disease mechanism: loss of function.
Malignant tumor of breast. Also called: Malignant breast neoplasm; Cancer breast. Identifiers: MedGen C0006142, MONDO:0007254. Disease mechanism: loss of function.
BRCA2-related disorder. Also called: BRCA2-related condition; BRCA2-related disorders. Identifiers: MedGen CN239275.
Hereditary cancer-predisposing syndrome. Also called: Tumor predisposition; Neoplastic Syndromes, Hereditary; Hereditary neoplastic syndrome; Hereditary Cancer Syndrome. Identifiers: Orphanet 140162, MedGen C0027672, MeSH D009386, MONDO:0015356.
Breast-ovarian cancer, familial, susceptibility to, 2 (BROVCA2). Also called: BRCA2 Hereditary Breast and Ovarian Cancer. Identifiers: Orphanet 145, MedGen C2675520, MONDO:0012933, OMIM 612555. Disease mechanism: loss of function.

Allele frequency attached by ClinVar (database versions not stated): TOPMed below 0.00001; ExAC 0.00002; gnomAD exomes 0.00002.
gnomAD v4.1: 23 of 1,614,124 alleles (0.0014%); highest among the groups gnomAD compares: East Asian, 0.0045%; no homozygotes.

Submissions (10):

Evidence-based Network for the Interpretation of Germline Mutant Alleles (ENIGMA)
Classification: Likely benign for Breast-ovarian cancer, familial, susceptibility to, 2. Last evaluated: 2017-06-29. Review status: reviewed by expert panel. Criteria: ENIGMA BRCA1/2 Classification Criteria (2017-06-29). Collection method: curation. Allele origin: germline.
Comment: Synonymous substitution variant, with low bioinformatic likelihood to result in a splicing aberration (Splicing prior probability 0.02).

Ambry Genetics
Classification: Likely benign for Hereditary cancer-predisposing syndrome. Last evaluated: 2026-03-12. Review status: criteria provided, single submitter. Criteria: Ambry Variant Classification Scheme 2023. Collection method: clinical testing. Allele origin: germline. Not counted in ClinVar's aggregate classification.

Labcorp Genetics (formerly Invitae), Labcorp
Classification: Likely benign for Hereditary breast ovarian cancer syndrome. Last evaluated: 2025-10-27. Review status: criteria provided, single submitter. Criteria: Invitae Variant Classification Sherloc (09022015). Collection method: clinical testing. Allele origin: germline. Not counted in ClinVar's aggregate classification.

All of Us Research Program, National Institutes of Health
Classification: Likely benign for Breast-ovarian cancer, familial, susceptibility to, 2. Last evaluated: 2023-11-20. Review status: criteria provided, single submitter. Criteria: ACMG Guidelines, 2015. Collection method: clinical testing. Allele origin: germline. Inheritance: Autosomal dominant inheritance. Observed: 2 variant alleles, 2 heterozygotes. Not counted in ClinVar's aggregate classification.
Comment: This study involves interpretation of variants in research participants for the purpose of population health screening. Participant phenotype was not available at the time of variant classification. Additional details can be found in publication PMID: 35346344, PMCID: PMC8962531

Blueprint Genetics
Classification: Likely benign. Last evaluated: 2023-04-25. Review status: criteria provided, single submitter. Criteria: ACMG Guidelines, 2015. Collection method: clinical testing. Allele origin: germline. Not counted in ClinVar's aggregate classification.

Women's Health and Genetics/Laboratory Corporation of America, LabCorp
Classification: Likely benign. Last evaluated: 2019-08-21. Review status: criteria provided, single submitter. Criteria: LabCorp Variant Classification Summary - May 2015. Collection method: clinical testing. Allele origin: germline. Not counted in ClinVar's aggregate classification.

Color Diagnostics, LLC DBA Color Health
Classification: Likely benign for Hereditary cancer-predisposing syndrome. Last evaluated: 2017-07-25. Review status: criteria provided, single submitter. Criteria: ACMG Guidelines, 2015. Collection method: clinical testing. Allele origin: germline. Not counted in ClinVar's aggregate classification.

GeneDx
Classification: Likely benign. Last evaluated: 2017-05-19. Review status: criteria provided, single submitter. Criteria: GeneDx Variant Classification (06012015). Collection method: clinical testing. Allele origin: germline. Affected: yes. Not counted in ClinVar's aggregate classification.
Comment: This variant is considered likely benign or benign based on one or more of the following criteria: it is a conservative change, it occurs at a poorly conserved position in the protein, it is predicted to be benign by multiple in silico algorithms, and/or has population frequency not consistent with disease.

PreventionGenetics, part of Exact Sciences
Classification: Likely benign for BRCA2-related condition. Last evaluated: 2024-08-09. Review status: no assertion criteria provided. Collection method: clinical testing. Allele origin: germline. Not counted in ClinVar's aggregate classification.
Comment: This variant is classified as likely benign based on ACMG/AMP sequence variant interpretation guidelines (Richards et al. 2015 PMID: 25741868, with internal and published modifications).

Department of Pathology and Laboratory Medicine, Sinai Health System
Classification: Likely benign for Malignant tumor of breast. Review status: no assertion criteria provided. Collection method: clinical testing. Allele origin: unknown. Affected: yes. Study: The Canadian Open Genetics Repository (COGR). Not counted in ClinVar's aggregate classification.
Comment: The p.Ser2835Ser variant has not been previously identified in the literature. This variant is not expected to have clinical significance because it does not alter an amino acid residue, and is not located near a splice junction. Another variant, c.8503T>C, p.Ser2835Pro, impacting the same position has been reported (Caux-Moncoutier 2009). In the UMD database, the c.8503T>C, p.Ser2835Pro variant has been identified in 2 (out of 13) individuals with breast or ovarian cancers, where a second pathogenic BRCA mutations was also detected, increasing the likelihood that an alteration to this residue does not have clinical significance. Furthermore, in one report, a cell line derived from a faconia anemia patient was identified with a nonsense mutation at this residue that reverted to Glutamic acid (p.Ser2835Glu), and corrected the cellular phenotype, increasing the likelihood an alteration at this residue does not have functional significance (Ikeda 2003). In summary, based on the above information, we cannot determine the clinical significance of this variant with certainty at this time, although we would lean towards a more benign role for this variant. In summary, this variant is classified as Predicted Benign.

NM_000059.4(BRCA2):c.8505A>G (p.Ser2835=)

Gene: BRCA2 (BRCA2 DNA repair associated; plus strand). Cytogenetic location: 13q13.1.
Variant type: single nucleotide variant.
Coding change: c.8505A>G on transcript NM_000059.4 (MANE Select); coding-DNA position 8505, A replaced by G.
Protein change: p.Ser2835=; no amino-acid change (serine 2835 retained).
Molecular consequence: synonymous variant.
Genome position (GRCh38, 1-based): chr13:32,370,973, A>G. VCF-style: chr13-32370973-A-G. GRCh37 (hg19) VCF-style: chr13-32945110-A-G.
Identifiers: ClinVar variation 385641 (VCV000385641.26), dbSNP rs765655952, ClinGen allele CA6941254.